The following is an entry in ClinVar:

NM_000428.3(LTBP2):c.407_408delinsTG (p.Thr136Met)

Gene: LTBP2 (latent transforming growth factor beta binding protein 2; minus strand). Cytogenetic location: 14q24.3.
Variant type: Indel.
Coding change: c.407_408delinsTG on transcript NM_000428.3 (MANE Select); coding-DNA positions 407 to 408, CC replaced by TG.
Protein change: p.Thr136Met; replaces threonine 136 with methionine.
Molecular consequence: missense variant.
Genome position (GRCh38, 1-based): chr14:74,611,537-74,611,538, GG replaced by CA on the plus strand (CC replaced by TG on the coding strand, the reverse complement: LTBP2 is on the minus strand). VCF-style: chr14-74611537-GG-CA. GRCh37 (hg19) VCF-style: chr14-75078240-GG-CA.
Other names: short protein forms T136M.
Identifiers: ClinVar variation 2184122 (VCV002184122.4), dbSNP rs2503025431, ClinGen allele CA2580088730.

ClinVar aggregate classification (germline): Uncertain significance (1 of 4 stars; one submission).

Submission:

Labcorp Genetics (formerly Invitae), Labcorp
Classification: Uncertain significance. Last evaluated: 2024-01-02. Review status: criteria provided, single submitter. Criteria: Invitae Variant Classification Sherloc (09022015). Collection method: clinical testing. Allele origin: germline.
Comment: This sequence change replaces threonine, which is neutral and polar, with methionine, which is neutral and non-polar, at codon 136 of the LTBP2 protein (p.Thr136Met). Information on the frequency of this variant in the gnomAD database is not available, as this variant may be reported differently in the database. This variant has not been reported in the literature in individuals affected with LTBP2-related conditions. ClinVar contains an entry for this variant (Variation ID: 2184122). An algorithm developed to predict the effect of missense changes on protein structure and function (PolyPhen-2) suggests that this variant is likely to be tolerated. In summary, the available evidence is currently insufficient to determine the role of this variant in disease. Therefore, it has been classified as a Variant of Uncertain Significance.